The following is an entry in ClinVar:

ClinVar aggregate classification (germline): Pathogenic (1 of 4 stars; one submission).

Submission:

GeneDx
Classification: Pathogenic. Last evaluated: 2018-05-03. Review status: criteria provided, single submitter. Criteria: GeneDx Variant Classification (06012015). Collection method: clinical testing. Allele origin: germline. Affected: yes.
Comment: The c.1353_1356delCAGC variant in the NPRL3 gene has not been reported previously as a pathogenic variant nor as a benign variant, to our knowledge. The c.1353_1356delCAGC variant causes a frameshift starting with codon Serine 452, changes this amino acid to a Alanine residue, and creates a premature Stop codon at position 4 of the new reading frame, denoted p.Ser452AlafsX4. This variant is predicted to cause loss of normal protein function either through protein truncation or nonsense-mediated mRNA decay. The c.1353_1356delCAGC variant is not observed in large population cohorts (Lek et al., 2016). We interpret c.1353_1356delCAGC as a pathogenic variant.

NM_001077350.2(NPRL3):c.1353_1356delCAGC

Genes: HBA-LCR (alpha-globin locus control region; plus strand), NPRL3 (NPR3 like, GATOR1 complex subunit; minus strand). Cytogenetic location: 16p13.3.
Variant type: Microsatellite.
Coding change: c.1353_1356delCAGC on transcript NM_001077350.2; coding-DNA positions 1353 to 1356, 4 bases deleted (CAGC).
Genome position (GRCh38, 1-based): chr16:88,886-88,889, GCTG deleted on the plus strand (CAGC on the coding strand, the reverse complement: NPRL3 is on the minus strand); deleting any 4 consecutive bases within chr16:88,886-88,893 gives the same sequence; the c. name uses the placement nearest the transcript's 3' end. VCF-style (leftmost placement, unchanged base first): chr16-88885-TGCTG-T. GRCh37 (hg19) VCF-style: chr16-138883-TGCTG-T.
Identifiers: ClinVar variation 524129 (VCV000524129.4), ClinGen allele CA658798450.